The following is an entry in ClinVar:

ClinVar aggregate classification (germline): Uncertain significance (1 of 4 stars; one submission).

Conditions:
Cardiomyopathy (CMYO). Also called: Cardiomyopathies. Identifiers: Orphanet 167848, MedGen C0878544, MONDO:0004994, HP:0001638. Inheritance: Various modes of inheritance.

Allele frequency attached by ClinVar (database versions not stated): gnomAD exomes below 0.00001.
gnomAD v4.1: 1 of 1,613,964 alleles (0.000062%); highest among the groups gnomAD compares: Non-Finnish European, 0.000085%; no homozygotes.

Submission:

Color Diagnostics, LLC DBA Color Health
Classification: Uncertain significance for Cardiomyopathy. Last evaluated: 2020-05-12. Review status: criteria provided, single submitter. Criteria: ACMG Guidelines, 2015. Collection method: clinical testing. Allele origin: germline.
Comment: This missense variant replaces glycine with aspartic acid at codon 150 of the DSC2 protein. Computational prediction is inconclusive regarding the impact of this variant on protein structure and function (internally defined REVEL score threshold 0.5 < inconclusive < 0.7, PMID: 27666373). To our knowledge, functional studies have not been reported for this variant. This variant has not been reported in individuals affected with cardiovascular disorders in the literature. This variant has not been identified in the general population by the Genome Aggregation Database (gnomAD). The available evidence is insufficient to determine the role of this variant in disease conclusively. Therefore, this variant is classified as a Variant of Uncertain Significance.

NM_024422.6(DSC2):c.449G>A (p.Gly150Asp)

Gene: DSC2 (desmocollin 2; minus strand). Cytogenetic location: 18q12.1.
Variant type: single nucleotide variant.
Coding change: c.449G>A on transcript NM_024422.6 (MANE Select); coding-DNA position 449, G replaced by A.
Protein change: p.Gly150Asp; replaces glycine 150 with aspartic acid.
Molecular consequence: missense variant.
Genome position (GRCh38, 1-based): chr18:31,091,053, C>T on the plus strand (G>A on the coding strand, the complement: DSC2 is on the minus strand). VCF-style: chr18-31091053-C-T. GRCh37 (hg19) VCF-style: chr18-28671016-C-T.
Other names: c.449G>A, p.Gly150Asp (NM_004949.5); short protein forms G150D.
Identifiers: ClinVar variation 1172300 (VCV001172300.2), dbSNP rs1480345392, ClinGen allele CA402114133.